The following is an entry in ClinVar:

ClinVar aggregate classification (germline): not provided (0 of 4 stars; one submission).

Conditions:
Normal pregnancy. Identifiers: MedGen C0232989.

Submission:

Institute of Molecular and Cell Biology, University of Tartu
No classification provided. Condition: Normal pregnancy. Review status: no classification provided. Collection method: case-control. Allele origin: unknown. Affected: yes. Study: Kasak2014.
Comment: The study aimed to determine the contribution of copy number variants in the genetic etiology of normal and complicated pregnancies. The samples represented (i) maternal blood DNA drawn from healthy pregnant women during 1st or 2nd trimester and (ii) maternal and paternal blood DNA drawn at term pregnancy cases representing normal and complicated gestations (severe preeclampsia, PE; gestational diabetes, GD; small-for-gestational age newborn, SGA; large-for-gestational age newborn, LGA). We performed CNV calling based on genome-wide genotyping dataset (Illumina HumanOmniExpress-24-v1 BeadChip) by applying three algorithms, QuantiSNP, GADA (Genome Alteration Detection Algorithm) and CNstream in parallel. The acquired CNV calls were merged with HD-CNV (Hotspot Detector for Copy Number Variants) program and only the CNVs predicted by at least two programs, were considered in subsequent analysis.

Literature cited by the submitters: PubMed 25666259.

Single allele

Variant type: Duplication.
Identifiers: ClinVar variation 157038 (VCV000157038.2).